The following is an entry in ClinVar:

NM_205861.3(DHDDS):c.305G>A (p.Ser102Asn)

Gene: DHDDS (dehydrodolichyl diphosphate synthase subunit; plus strand). Cytogenetic location: 1p36.11.
Variant type: single nucleotide variant.
Coding change: c.305G>A on transcript NM_205861.3 (MANE Select); coding-DNA position 305, G replaced by A.
Protein change: p.Ser102Asn; replaces serine 102 with asparagine.
Molecular consequence: missense variant.
Genome position (GRCh38, 1-based): chr1:26,442,855, G>A. VCF-style: chr1-26442855-G-A. GRCh37 (hg19) VCF-style: chr1-26769346-G-A.
Other names: c.305G>A, p.Ser102Asn (NM_001243564.2, NM_001243565.2, NM_024887.4); c.26G>A, p.Ser9Asn (NM_001319959.2); short protein forms S102N, S9N.
Identifiers: ClinVar variation 2732250 (VCV002732250.2), dbSNP rs558022297, ClinGen allele CA705289.

ClinVar aggregate classification (germline): Uncertain significance. Review status: criteria provided, multiple submitters, no conflicts (2 of 4 stars). 2 submissions from 2 submitters: Uncertain significance (2). Last evaluated 2024-01-22.

Conditions:
Retinitis pigmentosa 59 (RP59). Identifiers: Orphanet 791, MedGen C3151227, MONDO:0013468, OMIM 613861.

Allele frequency attached by ClinVar (database versions not stated): gnomAD exomes 0.00001; ExAC 0.00003; gnomAD 0.00003; 1000 Genomes Project 30x 0.00062; 1000 Genomes Project 0.00080.

Submissions (2):

Labcorp Genetics (formerly Invitae), Labcorp
Classification: Uncertain significance for Retinitis pigmentosa 59. Last evaluated: 2024-01-22. Review status: criteria provided, single submitter. Criteria: Invitae Variant Classification Sherloc (09022015). Collection method: clinical testing. Allele origin: germline.
Comment: This sequence change replaces serine, which is neutral and polar, with asparagine, which is neutral and polar, at codon 102 of the DHDDS protein (p.Ser102Asn). This variant is present in population databases (rs558022297, gnomAD 0.02%). This variant has not been reported in the literature in individuals affected with DHDDS-related conditions. Advanced modeling of protein sequence and biophysical properties (such as structural, functional, and spatial information, amino acid conservation, physicochemical variation, residue mobility, and thermodynamic stability) performed at Invitae indicates that this missense variant is not expected to disrupt DHDDS protein function with a negative predictive value of 80%. In summary, the available evidence is currently insufficient to determine the role of this variant in disease. Therefore, it has been classified as a Variant of Uncertain Significance.

Blueprint Genetics
Classification: Uncertain significance. Last evaluated: 2022-08-19. Review status: criteria provided, single submitter. Criteria: ACMG Guidelines, 2015. Collection method: clinical testing. Allele origin: germline.